The following is an entry in ClinVar:

ClinVar aggregate classification (germline): Benign/Likely benign. Review status: criteria provided, multiple submitters, no conflicts (2 of 4 stars). 10 submissions from 10 submitters: Benign (7); Likely benign (2). 1 of the submissions does not count toward it. Last evaluated 2026-02-04.

Conditions:
Primary ciliary dyskinesia. Also called: Ciliary dyskinesia. Identifiers: Orphanet 244, MedGen C0008780, MONDO:0016575, HP:0012265.
Primary ciliary dyskinesia 2. Also called: CILIARY DYSKINESIA, PRIMARY, 2, WITH OR WITHOUT SITUS INVERSUS. Identifiers: Orphanet 244, MedGen C1847554, MONDO:0011718, OMIM 606763.

Allele frequency attached by ClinVar (database versions not stated): gnomAD exomes 0.21442; ExAC 0.22660; ESP Exome Variant Server 0.29125; gnomAD 0.29351; TOPMed 0.30776; 1000 Genomes Project 0.33187; 1000 Genomes Project 30x 0.33916.
gnomAD v4.1: 314,598 of 1,302,950 alleles (24%); highest among the groups gnomAD compares: African/African-American, 61%; 38,891 homozygotes.

Submissions (10):

Labcorp Genetics (formerly Invitae), Labcorp
Classification: Benign for Primary ciliary dyskinesia. Last evaluated: 2026-02-04. Review status: criteria provided, single submitter. Criteria: Invitae Variant Classification Sherloc (09022015). Collection method: clinical testing. Allele origin: germline.

Blueprint Genetics
Classification: Likely benign. Last evaluated: 2024-11-28. Review status: criteria provided, single submitter. Criteria: ACMG Guidelines, 2015. Collection method: clinical testing. Allele origin: germline.

Mayo Clinic Laboratories, Mayo Clinic
Classification: Benign. Last evaluated: 2022-04-26. Review status: criteria provided, single submitter. Criteria: ACMG Guidelines, 2015. Collection method: clinical testing. Allele origin: germline. Observed: 78 variant alleles.

GeneDx
Classification: Benign. Last evaluated: 2018-07-09. Review status: criteria provided, single submitter. Criteria: GeneDx Variant Classification Process June 2021. Collection method: clinical testing. Allele origin: germline. Affected: yes.

Clinical Genetics DNA and cytogenetics Diagnostics Lab, Erasmus MC, Erasmus Medical Center
Classification: Benign for Primary ciliary dyskinesia 2. Last evaluated: 2017-06-28. Review status: criteria provided, single submitter. Criteria: ACGS Guidelines, 2013. Collection method: clinical testing. Allele origin: germline. Affected: yes. Study: VKGL Data-share Consensus.

Ambry Genetics
Classification: Benign for Primary ciliary dyskinesia. Last evaluated: 2016-07-07. Review status: criteria provided, single submitter. Criteria: Ambry Variant Classification Scheme 2023. Collection method: clinical testing. Allele origin: germline.

Laboratory for Molecular Medicine, Mass General Brigham Personalized Medicine
Classification: Benign. Last evaluated: 2016-03-28. Review status: criteria provided, single submitter. Criteria: LMM Criteria. Collection method: clinical testing. Allele origin: germline.
Comment: Variant identified in a genome or exome case(s) and assessed due to predicted null impact of the variant or pathogenic assertions in the literature or databases. Disclaimer: This variant has not undergone full assessment. The following are preliminary notes: Frequency

Breakthrough Genomics
Classification: Likely benign. Review status: criteria provided, single submitter. Criteria: ACMG Guidelines, 2015. Collection method: not provided. Allele origin: germline. Inheritance: Autosomal recessive inheritance. Affected: yes.

PreventionGenetics, part of Exact Sciences
Classification: Benign. Review status: criteria provided, single submitter. Criteria: ACMG Guidelines, 2015. Collection method: clinical testing. Allele origin: germline.

Diagnostic Laboratory, Department of Genetics, University Medical Center Groningen
Classification: Benign for Primary ciliary dyskinesia 2. Review status: no assertion criteria provided. Collection method: clinical testing. Allele origin: germline. Affected: yes. Study: VKGL Data-share Consensus. Not counted in ClinVar's aggregate classification.

NM_001256715.2(DNAAF3):c.1056G>A (p.Pro352=)

Genes: DNAAF3 (dynein axonemal assembly factor 3; minus strand), DNAAF3-AS1 (DNAAF3 antisense RNA 1; plus strand). Cytogenetic location: 19q13.42.
Variant type: single nucleotide variant.
Coding change: c.1056G>A on transcript NM_001256715.2 (MANE Select); coding-DNA position 1056, G replaced by A.
Protein change: p.Pro352=; no amino-acid change (proline 352 retained).
Molecular consequence: synonymous variant.
Genome position (GRCh38, 1-based): chr19:55,160,006, C>T on the plus strand (G>A on the coding strand, the complement: DNAAF3 is on the minus strand). VCF-style: chr19-55160006-C-T. GRCh37 (hg19) VCF-style: chr19-55671374-C-T.
Other names: p.Pro419=; c.1257G>A, p.Pro419= (NM_001256714.1); c.894G>A, p.Pro298= (NM_001256716.2); c.1197G>A, p.Pro399= (NM_178837.4).
Identifiers: ClinVar variation 257680 (VCV000257680.25), dbSNP rs891187, ClinGen allele CA9667923.
Genomic context (GRCh38, chr19:55,160,006, plus strand): 5'-GTGGTGGAGAGTCTGAGCAGAATTGAGCGGCAGGAAGTGGACGGTGAAAGATTCCGGGGT[C>T]GGGGCTGCTGGGGGAAGGGGATAGAGGGGTCACCTCTGACAGGCGGAGCCATAAGGGCGG-3'
Protein context (NP_001243644.1, residues 342-362): GSPEPGTPAA[Pro352=]TPESFTVHFL